The following is an entry in ClinVar:

NM_025009.5(CEP135):c.591C>A (p.Asp197Glu)

Gene: CEP135 (centrosomal protein 135; plus strand). Cytogenetic location: 4q12.
Variant type: single nucleotide variant.
Coding change: c.591C>A on transcript NM_025009.5 (MANE Select); coding-DNA position 591, C replaced by A.
Protein change: p.Asp197Glu; replaces aspartic acid 197 with glutamic acid.
Molecular consequence: missense variant.
Genome position (GRCh38, 1-based): chr4:55,957,341, C>A. VCF-style: chr4-55957341-C-A. GRCh37 (hg19) VCF-style: chr4-56823507-C-A.
Other names: short protein forms D197E.
Identifiers: ClinVar variation 1918561 (VCV001918561.5), dbSNP rs1728541545, ClinGen allele CA356970830.
Genomic context (GRCh38, chr4:55,957,341, plus strand): 5'-TCCTCCCTCTGAAGTCAGTTCATATCCAGTTCCTCAACCAGATGACCCTTACATTGCAGA[C>A]CTCCTTCAAGTGGCTGATAACAGGTGCATTAAATAATTCTTTCTTGGCTTGAGTTAATTG-3'
Protein context (NP_079285.2, residues 187-207): VPQPDDPYIA[Asp197Glu]LLQVADNRIQ

ClinVar aggregate classification (germline): Uncertain significance (1 of 4 stars; one submission).

Allele frequency attached by ClinVar (database versions not stated): TOPMed below 0.00001.

Submission:

Labcorp Genetics (formerly Invitae), Labcorp
Classification: Uncertain significance. Last evaluated: 2025-08-21. Review status: criteria provided, single submitter. Criteria: Invitae Variant Classification Sherloc (09022015). Collection method: clinical testing. Allele origin: germline.
Comment: This sequence change replaces aspartic acid, which is acidic and polar, with glutamic acid, which is acidic and polar, at codon 197 of the CEP135 protein (p.Asp197Glu). This variant is not present in population databases (gnomAD no frequency). This variant has not been reported in the literature in individuals affected with CEP135-related conditions. ClinVar contains an entry for this variant (Variation ID: 1918561). An algorithm developed to predict the effect of missense changes on protein structure and function (PolyPhen-2) suggests that this variant is likely to be disruptive. In summary, the available evidence is currently insufficient to determine the role of this variant in disease. Therefore, it has been classified as a Variant of Uncertain Significance.